The following is an entry in ClinVar:

NM_000038.6(APC):c.1175A>G (p.His392Arg)

Gene: APC (APC regulator of Wnt signaling pathway; plus strand). Cytogenetic location: 5q22.2.
Variant type: single nucleotide variant.
Coding change: c.1175A>G on transcript NM_000038.6 (MANE Select); coding-DNA position 1175, A replaced by G.
Protein change: p.His392Arg; replaces histidine 392 with arginine.
Molecular consequence: missense variant. On other transcripts: intron variant (4).
Genome position (GRCh38, 1-based): chr5:112,819,207, A>G. VCF-style: chr5-112819207-A-G. GRCh37 (hg19) VCF-style: chr5-112154904-A-G.
Other names: c.1175A>G, p.His392Arg (NM_001127510.3, NM_001354895.2, NM_001354896.2); c.1121A>G, p.His374Arg (NM_001127511.3); c.1205A>G, p.His402Arg (NM_001354897.2); c.1100A>G, p.His367Arg (NM_001354898.2); c.1091A>G, p.His364Arg (NM_001354899.2); c.998A>G, p.His333Arg (NM_001354900.2, NM_001354901.2); c.326A>G, p.His109Arg (NM_001354906.2); c.964-62A>G (NM_001354902.2); and 3 more; short protein forms H374R, H392R, H109R, H364R, H367R, H333R, H402R.
Identifiers: ClinVar variation 230106 (VCV000230106.20), dbSNP rs876658392, ClinGen allele CA10578307.

ClinVar aggregate classification (germline): Uncertain significance. Review status: criteria provided, multiple submitters, no conflicts (2 of 4 stars). 6 submissions from 6 submitters: Uncertain significance (5). 1 of the submissions does not count toward it. Last evaluated 2026-07-07.

Conditions:
APC-related disorder. Also called: APC-related condition.
Classic or attenuated familial adenomatous polyposis. Identifiers: MedGen CN372698, MONDO:0021057.
Hereditary cancer-predisposing syndrome. Also called: Neoplastic Syndromes, Hereditary; Tumor predisposition; Hereditary Cancer Syndrome; Hereditary neoplastic syndrome. Identifiers: Orphanet 140162, MedGen C0027672, MeSH D009386, MONDO:0015356.
Familial adenomatous polyposis 1 (FAP1). Also called: FAMILIAL ADENOMATOUS POLYPOSIS 1, ATTENUATED; POLYPOSIS, ADENOMATOUS INTESTINAL. Identifiers: MedGen C2713442, MONDO:0021056, OMIM 175100. Disease mechanism: loss of function.

Allele frequency attached by ClinVar (database versions not stated): gnomAD exomes below 0.00001 and 0.00001.
gnomAD v4.1: 3 of 1,613,890 alleles (0.00019%); highest among the groups gnomAD compares: Admixed American, 0.0017%; no homozygotes.

Submissions (6):

PreventionGenetics, part of Exact Sciences
Classification: Uncertain significance for APC-related condition. Last evaluated: 2026-07-07. Review status: criteria provided, single submitter. Criteria: ACMG Guidelines, 2015. Collection method: clinical testing. Allele origin: germline.
Comment: The APC c.1175A>G variant is predicted to result in the amino acid substitution p.His392Arg. To our knowledge, this variant has not been reported in the literature. This variant is reported in 0.0029% of alleles in individuals of Latino descent in gnomAD. This variant is interpreted as uncertain in ClinVar (Variation ID: 230106). At this time, the clinical significance of this variant is uncertain due to the absence of conclusive functional and genetic evidence.

Labcorp Genetics (formerly Invitae), Labcorp
Classification: Uncertain significance for Familial adenomatous polyposis 1. Last evaluated: 2026-01-13. Review status: criteria provided, single submitter. Criteria: Invitae Variant Classification Sherloc (09022015). Collection method: clinical testing. Allele origin: germline.
Comment: This sequence change replaces histidine, which is basic and polar, with arginine, which is basic and polar, at codon 392 of the APC protein (p.His392Arg). This variant is present in population databases (no rsID available, gnomAD 0.006%). This variant has not been reported in the literature in individuals affected with APC-related conditions. ClinVar contains an entry for this variant (Variation ID: 230106). Invitae Evidence Modeling of protein sequence and biophysical properties (such as structural, functional, and spatial information, amino acid conservation, physicochemical variation, residue mobility, and thermodynamic stability) indicates that this missense variant is not expected to disrupt APC protein function with a negative predictive value of 95%. In summary, the available evidence is currently insufficient to determine the role of this variant in disease. Therefore, it has been classified as a Variant of Uncertain Significance.

Quest Diagnostics Nichols Institute San Juan Capistrano
Classification: Uncertain significance. Last evaluated: 2025-05-28. Review status: criteria provided, single submitter. Criteria: Quest Diagnostics criteria. Collection method: clinical testing. Allele origin: unknown.
Comment: The APC c.1175A>G (p.His392Arg) variant has not been reported in individuals with APC-related conditions in the published literature. The frequency of this variant in the general population (Genome Aggregation Database) is uninformative in the assessment of its pathogenicity. Analysis of this variant using bioinformatics tools for the prediction of the effect of amino acid changes on protein structure and function yielded conflicting predictions that this variant is deleterious or benign. Based on the available information, we are unable to determine the clinical significance of this variant.

All of Us Research Program, National Institutes of Health
Classification: Uncertain significance for Classic or attenuated familial adenomatous polyposis. Last evaluated: 2024-07-29. Review status: criteria provided, single submitter. Criteria: ACMG Guidelines, 2015. Collection method: clinical testing. Allele origin: germline. Inheritance: Autosomal dominant inheritance. Observed: 1 variant allele, 1 heterozygote.
Comment: This missense variant replaces histidine with arginine at codon 392 of the APC protein. Computational prediction suggests that this variant may not impact protein structure and function (internally defined REVEL score threshold <= 0.5, PMID: 27666373). To our knowledge, functional studies have not been reported for this variant. This variant has not been reported in individuals affected with APC-related disorders in the literature. This variant has been identified in 1/250588 chromosomes in the general population by the Genome Aggregation Database (gnomAD). The available evidence is insufficient to determine the role of this variant in disease conclusively. Therefore, this variant is classified as a Variant of Uncertain Significance.

This study involves interpretation of variants in research participants for the purpose of population health screening. Participant phenotype was not available at the time of variant classification. Additional details can be found in publication PMID: 35346344, PMCID: PMC8962531

Ambry Genetics
Classification: Uncertain significance for Hereditary cancer-predisposing syndrome. Last evaluated: 2023-12-27. Review status: criteria provided, single submitter. Criteria: Ambry Variant Classification Scheme 2023. Collection method: clinical testing. Allele origin: germline.
Comment: The p.H392R variant (also known as c.1175A>G), located in coding exon 9 of the APC gene, results from an A to G substitution at nucleotide position 1175. The histidine at codon 392 is replaced by arginine, an amino acid with highly similar properties. This amino acid position is highly conserved in available vertebrate species. In addition, in silico predictors for this gene do not accurately predict pathogenicity. Since supporting evidence is limited at this time, the clinical significance of this alteration remains unclear.

Department of Pathology and Laboratory Medicine, Sinai Health System
Classification: Uncertain significance. Review status: no assertion criteria provided. Collection method: clinical testing. Allele origin: unknown. Affected: yes. Study: The Canadian Open Genetics Repository (COGR). Not counted in ClinVar's aggregate classification.
Comment: The APC p.His333Arg variant was not identified in the literature nor was it identified in Cosmic or LOVD 3.0. The variant was identified in dbSNP (ID: rs876658392) and in ClinVar (classified as a VUS by Ambry Genetics for hereditary cancer-predisposing syndrome). The variant was identified in control databases in 1 of 250588 chromosomes at a frequency of 0.000004 (Genome Aggregation Database Feb 27, 2017). The variant was observed in the following population: Latino in 1 of 34498 chromosomes (freq: 0.000029); it was not observed in the African, Ashkenazi Jewish, East Asian, European (Finnish), European (non-Finnish), Other and South Asian populations. The variant occurs outside of the splicing consensus sequence and in silico or computational prediction software programs (SpliceSiteFinder, MaxEntScan, NNSPLICE, GeneSplicer) do not predict a difference in splicing. The p.His333 residue is conserved in in mammals but not in more distantly related organisms however computational analyses (PolyPhen-2, SIFT, AlignGVGD, BLOSUM, MutationTaster) do not suggest a high likelihood of impact to the protein; this information is not predictive enough to rule out pathogenicity. In summary, based on the above information the clinical significance of this variant cannot be determined with certainty at this time. This variant is classified as a variant of uncertain significance.